The following is an entry in ClinVar:

NM_000059.4(BRCA2):c.1156del (p.Glu386fs)

Gene: BRCA2 (BRCA2 DNA repair associated; plus strand). Cytogenetic location: 13q13.1.
Variant type: Deletion.
Coding change: c.1156del on transcript NM_000059.4 (MANE Select); coding-DNA position 1156, one base deleted (G; older notation c.1156delG).
Protein change: p.Glu386fs; shifts the reading frame from glutamic acid 386.
Molecular consequence: frameshift variant.
Genome position (GRCh38, 1-based): chr13:32,332,634, G deleted; the last of 2 consecutive G bases (chr13:32,332,633-32,332,634); deleting either gives the same sequence. VCF-style (leftmost placement, unchanged base first): chr13-32332632-AG-A. GRCh37 (hg19) VCF-style: chr13-32906769-AG-A.
Other names: 1384delG; c.1156delG (NM_000059.3).
Identifiers: ClinVar variation 37726 (VCV000037726.27), dbSNP rs397507262, ClinGen allele CA010998.

ClinVar aggregate classification (germline): Pathogenic. Review status: reviewed by expert panel (3 of 4 stars). 6 submissions from 6 submitters: Pathogenic (1). 5 of the submissions do not count toward it. Last evaluated 2016-09-08.

Conditions:
BRCA2-related cancer predisposition. Identifiers: MedGen CN377758, MONDO:0700269.
Gastric cancer. Also called: Stomach cancer; Malignant tumor of stomach. Identifiers: MedGen C0024623, MeSH D013274, MONDO:0001056, OMIM 613659, HP:0012126.
Hereditary breast ovarian cancer syndrome. Also called: BRCA1- and BRCA2-Associated Hereditary Breast and Ovarian Cancer; Hereditary breast and ovarian cancer syndrome; Hereditary breast and ovarian cancer syndrome (HBOC); Hereditary breast and ovarian cancer; Breast and ovarian cancer; Hereditary breast and/or ovarian cancer syndrome. Identifiers: Orphanet 145, MedGen C0677776, MeSH D061325, MONDO:0003582. Disease mechanism: loss of function.
Breast-ovarian cancer, familial, susceptibility to, 2 (BROVCA2). Also called: BRCA2 Hereditary Breast and Ovarian Cancer. Identifiers: Orphanet 145, MedGen C2675520, MONDO:0012933, OMIM 612555. Disease mechanism: loss of function.

Submissions (6):

Evidence-based Network for the Interpretation of Germline Mutant Alleles (ENIGMA)
Classification: Pathogenic for Breast-ovarian cancer, familial, susceptibility to, 2. Last evaluated: 2016-09-08. Review status: reviewed by expert panel. Criteria: ENIGMA BRCA1/2 Classification Criteria (2015). Collection method: curation. Allele origin: germline.
Comment: Variant allele predicted to encode a truncated non-functional protein.

Labcorp Genetics (formerly Invitae), Labcorp
Classification: Pathogenic for Hereditary breast ovarian cancer syndrome. Last evaluated: 2025-12-23. Review status: criteria provided, single submitter. Criteria: Invitae Variant Classification Sherloc (09022015). Collection method: clinical testing. Allele origin: germline. Not counted in ClinVar's aggregate classification.
Comment: This sequence change creates a premature translational stop signal (p.Glu386Lysfs*13) in the BRCA2 gene. It is expected to result in an absent or disrupted protein product. Loss-of-function variants in BRCA2 are known to be pathogenic (PMID: 20104584). This variant is not present in population databases (gnomAD no frequency). This variant has not been reported in the literature in individuals affected with BRCA2-related conditions. ClinVar contains an entry for this variant (Variation ID: 37726). For these reasons, this variant has been classified as Pathogenic.

All of Us Research Program, National Institutes of Health
Classification: Pathogenic for BRCA2-related cancer predisposition. Last evaluated: 2024-09-24. Review status: criteria provided, single submitter. Criteria: ACMG Guidelines, 2015. Collection method: clinical testing. Allele origin: germline. Inheritance: Autosomal dominant inheritance. Observed: 1 variant allele, 1 heterozygote. Not counted in ClinVar's aggregate classification.
Comment: The c.1156del variant in the BRCA2 gene is located on the exon 10 and is predicted to cause shift of reading frame which introduces a premature translation termination codon (p.Glu386Lysfs*13), resulting in an absent or disrupted protein product. To our knowledge, this variant has not been reported in individuals affected with hereditary cancer in literature. Other protein truncating variants located in the same exon (p.Lys385*, p.Ser418*) have been reported as pathogenic by the expert panel (ClinVar ID: 51073, 37732). Loss-of-function variants in the BRCA2 gene are known to cause hereditary breast and ovarian cancer (PMID: 8988179, 11897832, 29446198). This variant has been reported in ClinVar as pathogenic by the expert panel (ID: 37726). The variant is absent in the general population database (gnomAD). Therefore, the c.1156del (p.Glu386Lysfs*13) variant in the BRCA2 gene has been classified as pathogenic.

This study involves interpretation of variants in research participants for the purpose of population health screening. Participant phenotype was not available at the time of variant classification. Additional details can be found in publication PMID: 35346344, PMCID: PMC8962531

Consortium of Investigators of Modifiers of BRCA1/2 (CIMBA), c/o University of Cambridge
Classification: Pathogenic for Breast-ovarian cancer, familial, susceptibility to, 2. Last evaluated: 2015-10-02. Review status: criteria provided, single submitter. Criteria: CIMBA Mutation Classification guidelines May 2016. Collection method: clinical testing. Allele origin: germline. Not counted in ClinVar's aggregate classification.

Laboratory for Genotyping Development, RIKEN
Classification: Pathogenic for Gastric cancer. Last evaluated: 2021-07-01. Review status: no assertion criteria provided. Collection method: research. Allele origin: germline. Not counted in ClinVar's aggregate classification.

Sharing Clinical Reports Project (SCRP)
Classification: Pathogenic for Breast-ovarian cancer, familial 2. Last evaluated: 2008-01-22. Review status: no assertion criteria provided. Collection method: clinical testing. Allele origin: germline. Not counted in ClinVar's aggregate classification.

Literature cited by the submitters: PubMed 20104584 (cited by Labcorp Genetics (formerly Invitae), Labcorp); PubMed 8988179 (cited by All of Us Research Program, National Institutes of Health); PubMed 11897832 (cited by All of Us Research Program, National Institutes of Health); PubMed 29446198 (cited by All of Us Research Program, National Institutes of Health); PubMed 36988593 (cited by Laboratory for Genotyping Development, RIKEN).